The following is an entry in ClinVar:

ClinVar aggregate classification (germline): Uncertain significance (1 of 4 stars; one submission).

Conditions:
Inborn genetic diseases. Identifiers: MedGen C0950123, MeSH D030342.

gnomAD v4.1: 1 of 1,614,058 alleles (0.000062%); highest among the groups gnomAD compares: South Asian, 0.0011%; no homozygotes.

Submission:

Ambry Genetics
Classification: Uncertain significance for Inborn genetic diseases. Last evaluated: 2025-05-16. Review status: criteria provided, single submitter. Criteria: Ambry Variant Classification Scheme 2023. Collection method: clinical testing. Allele origin: germline.
Comment: The p.R202L variant (also known as c.605G>T), located in coding exon 5 of the ETV6 gene, results from a G to T substitution at nucleotide position 605. The arginine at codon 202 is replaced by leucine, an amino acid with dissimilar properties. This amino acid position is conserved. In addition, this alteration is predicted to be tolerated by in silico analysis. Based on the available evidence, the clinical significance of this variant remains unclear.

NM_001987.5(ETV6):c.605G>T (p.Arg202Leu)

Gene: ETV6 (ETS variant transcription factor 6; plus strand). Cytogenetic location: 12p13.2.
Variant type: single nucleotide variant.
Coding change: c.605G>T on transcript NM_001987.5 (MANE Select); coding-DNA position 605, G replaced by T.
Protein change: p.Arg202Leu; replaces arginine 202 with leucine.
Molecular consequence: missense variant.
Genome position (GRCh38, 1-based): chr12:11,869,565, G>T. VCF-style: chr12-11869565-G-T. GRCh37 (hg19) VCF-style: chr12-12022499-G-T.
Other names: c.602G>T, p.Arg201Leu (NM_001413913.1); c.578G>T, p.Arg193Leu (NM_001413914.1); c.341G>T, p.Arg114Leu (NM_001413915.1); c.605G>T, p.Arg202Leu (NM_001413916.1, NM_001413917.1); short protein forms R114L, R202L, R193L, R201L.
Identifiers: ClinVar variation 4020102 (VCV004020102.1).